The following is an entry in ClinVar:

ClinVar aggregate classification (germline): Uncertain significance (1 of 4 stars; one submission).

Allele frequency attached by ClinVar (database versions not stated): gnomAD 0.00005; gnomAD exomes 0.00002 and 0.00003; TOPMed 0.00003; ExAC 0.00004.
gnomAD v4.1: 36 of 1,551,782 alleles (0.0023%); highest among the groups gnomAD compares: African/African-American, 0.012%; no homozygotes.

Submission:

Labcorp Genetics (formerly Invitae), Labcorp
Classification: Uncertain significance. Last evaluated: 2022-07-14. Review status: criteria provided, single submitter. Criteria: Invitae Variant Classification Sherloc (09022015). Collection method: clinical testing. Allele origin: germline.
Comment: This sequence change replaces valine, which is neutral and non-polar, with isoleucine, which is neutral and non-polar, at codon 352 of the KPNA7 protein (p.Val352Ile). This variant is present in population databases (rs767466901, gnomAD 0.01%). This variant has not been reported in the literature in individuals affected with KPNA7-related conditions. ClinVar contains an entry for this variant (Variation ID: 641804). Algorithms developed to predict the effect of missense changes on protein structure and function output the following: SIFT: "Tolerated"; PolyPhen-2: "Possibly Damaging"; Align-GVGD: "Class C0". The isoleucine amino acid residue is found in multiple mammalian species, which suggests that this missense change does not adversely affect protein function. In summary, the available evidence is currently insufficient to determine the role of this variant in disease. Therefore, it has been classified as a Variant of Uncertain Significance.

NM_001145715.3(KPNA7):c.1054G>A (p.Val352Ile)

Gene: KPNA7 (karyopherin subunit alpha 7; minus strand). Cytogenetic location: 7q22.1.
Variant type: single nucleotide variant.
Coding change: c.1054G>A on transcript NM_001145715.3 (MANE Select); coding-DNA position 1054, G replaced by A.
Protein change: p.Val352Ile; replaces valine 352 with isoleucine.
Molecular consequence: missense variant.
Genome position (GRCh38, 1-based): chr7:99,185,009, C>T on the plus strand (G>A on the coding strand, the complement: KPNA7 is on the minus strand). VCF-style: chr7-99185009-C-T. GRCh37 (hg19) VCF-style: chr7-98782632-C-T.
Other names: short protein forms V352I.
Identifiers: ClinVar variation 641804 (VCV000641804.8), dbSNP rs767466901, ClinGen allele CA4363149.
Genomic context (GRCh38, chr7:99,185,009, plus strand): 5'-AGGGAGGCAAGACGTCGTAGGCAAGCAGCTGCTGGATGTGGTGACAAGGCCCCGCTGCTA[C>T]GTTGCTCAGGGCCCAGGCTGCCTCCTTCTGGATGGAGGGCTTGTTGTGTTGCAGGAGCTG-3'
Protein context (NP_001139187.1, residues 342-362): QKEAAWALSN[Val352Ile]AAGPCHHIQQ